The following is an entry in ClinVar:

ClinVar aggregate classification (germline): Uncertain significance (1 of 4 stars; one submission).

gnomAD v4.1: 1 of 1,614,010 alleles (0.000062%); highest among the groups gnomAD compares: African/African-American, 0.0013%; no homozygotes.

Submission:

Labcorp Genetics (formerly Invitae), Labcorp
Classification: Uncertain significance. Last evaluated: 2023-09-06. Review status: criteria provided, single submitter. Criteria: Invitae Variant Classification Sherloc (09022015). Collection method: clinical testing. Allele origin: germline.
Comment: This sequence change replaces leucine, which is neutral and non-polar, with phenylalanine, which is neutral and non-polar, at codon 632 of the DDX58 protein (p.Leu632Phe). This variant has not been reported in the literature in individuals affected with DDX58-related conditions. This variant is not present in population databases (gnomAD no frequency). In summary, the available evidence is currently insufficient to determine the role of this variant in disease. Therefore, it has been classified as a Variant of Uncertain Significance. Advanced modeling of protein sequence and biophysical properties (such as structural, functional, and spatial information, amino acid conservation, physicochemical variation, residue mobility, and thermodynamic stability) performed at Invitae indicates that this missense variant is expected to disrupt DDX58 protein function.

NM_014314.4(RIGI):c.1894C>T (p.Leu632Phe)

Gene: RIGI (RNA sensor RIG-I; minus strand). Cytogenetic location: 9p21.1.
Variant type: single nucleotide variant.
Coding change: c.1894C>T on transcript NM_014314.4 (MANE Select); coding-DNA position 1894, C replaced by T.
Protein change: p.Leu632Phe; replaces leucine 632 with phenylalanine.
Molecular consequence: missense variant.
Genome position (GRCh38, 1-based): chr9:32,477,012, G>A on the plus strand (C>T on the coding strand, the complement: RIGI is on the minus strand). VCF-style: chr9-32477012-G-A. GRCh37 (hg19) VCF-style: chr9-32477010-G-A.
Other names: c.1888C>T, p.Leu630Phe (NM_001385907.1); c.1894C>T, p.Leu632Phe (NM_001385909.1); c.1453C>T, p.Leu485Phe (NM_001385910.1); c.1285C>T, p.Leu429Phe (NM_001385912.1); c.1879C>T, p.Leu627Phe (NM_001385913.1); c.1450C>T, p.Leu484Phe (NM_001385914.1); short protein forms L484F, L485F, L630F, L632F, L429F, L627F.
Identifiers: ClinVar variation 2752060 (VCV002752060.3), dbSNP rs2489310868, ClinGen allele CA373148660.